The following is an entry in ClinVar:

ClinVar aggregate classification (germline): Uncertain significance. Review status: criteria provided, multiple submitters, no conflicts (2 of 4 stars). 2 submissions from 2 submitters: Uncertain significance (2). Last evaluated 2025-09-29.

Conditions:
Cardiovascular phenotype. Identifiers: MedGen CN230736.
Dilated cardiomyopathy 1JJ (CMD1JJ). Identifiers: Orphanet 154, MedGen C3808935, MONDO:0014095, OMIM 615235.

Allele frequency attached by ClinVar (database versions not stated): gnomAD 0.00002.

Submissions (2):

Labcorp Genetics (formerly Invitae), Labcorp
Classification: Uncertain significance for Dilated cardiomyopathy 1JJ. Last evaluated: 2025-09-29. Review status: criteria provided, single submitter. Criteria: Invitae Variant Classification Sherloc (09022015). Collection method: clinical testing. Allele origin: germline.
Comment: This sequence change replaces alanine, which is neutral and non-polar, with threonine, which is neutral and polar, at codon 1807 of the LAMA4 protein (p.Ala1807Thr). This variant is present in population databases (no rsID available, gnomAD 0.01%). This variant has not been reported in the literature in individuals affected with LAMA4-related conditions. ClinVar contains an entry for this variant (Variation ID: 848167). An algorithm developed to predict the effect of missense changes on protein structure and function (PolyPhen-2) suggests that this variant is likely to be disruptive. Algorithms developed to predict the effect of sequence changes on RNA splicing suggest that this variant may create or strengthen a splice site. In summary, the available evidence is currently insufficient to determine the role of this variant in disease. Therefore, it has been classified as a Variant of Uncertain Significance.

Ambry Genetics
Classification: Uncertain significance for Cardiovascular phenotype. Last evaluated: 2025-07-24. Review status: criteria provided, single submitter. Criteria: Ambry Variant Classification Scheme 2023. Collection method: clinical testing. Allele origin: germline.
Comment: The p.A1807T variant (also known as c.5419G>A), located in coding exon 38 of the LAMA4 gene, results from a G to A substitution at nucleotide position 5419. The alanine at codon 1807 is replaced by threonine, an amino acid with similar properties. This amino acid position is highly conserved in available vertebrate species. In addition, the in silico prediction for this alteration is inconclusive. Since supporting evidence is limited at this time, the clinical significance of this alteration remains unclear.

NM_001105206.3(LAMA4):c.5440G>A (p.Ala1814Thr)

Gene: LAMA4 (laminin subunit alpha 4; minus strand). Cytogenetic location: 6q21.
Variant type: single nucleotide variant.
Coding change: c.5440G>A on transcript NM_001105206.3 (MANE Select); coding-DNA position 5440, G replaced by A.
Protein change: p.Ala1814Thr; replaces alanine 1814 with threonine.
Molecular consequence: missense variant.
Genome position (GRCh38, 1-based): chr6:112,109,469, C>T on the plus strand (G>A on the coding strand, the complement: LAMA4 is on the minus strand). VCF-style: chr6-112109469-C-T. GRCh37 (hg19) VCF-style: chr6-112430672-C-T.
Other names: c.5419G>A, p.Ala1807Thr (NM_001105207.3, NM_002290.5); short protein forms A1807T, A1814T.
Identifiers: ClinVar variation 848167 (VCV000848167.13), dbSNP rs1048588170, ClinGen allele CA144876086.